The following is an entry in ClinVar:

NM_001963.6(EGF):c.2606C>T (p.Ser869Phe)

Gene: EGF (epidermal growth factor; plus strand). Cytogenetic location: 4q25.
Variant type: single nucleotide variant.
Coding change: c.2606C>T on transcript NM_001963.6 (MANE Select); coding-DNA position 2606, C replaced by T.
Protein change: p.Ser869Phe; replaces serine 869 with phenylalanine.
Molecular consequence: missense variant. On other transcripts: intron variant (1).
Genome position (GRCh38, 1-based): chr4:109,987,858, C>T. VCF-style: chr4-109987858-C-T. GRCh37 (hg19) VCF-style: chr4-110909014-C-T.
Other names: c.2606C>T (NM_001963.5); c.2606C>T, p.Ser869Phe (NM_001178130.3); c.2480C>T, p.Ser827Phe (NM_001178131.3); c.2365+4317C>T (NM_001357021.2); short protein forms S827F, S869F.
Identifiers: ClinVar variation 2720950 (VCV002720950.5), dbSNP rs532628455, ClinGen allele CA3044008.

ClinVar aggregate classification (germline): Uncertain significance. Review status: criteria provided, single submitter (1 of 4 stars). 2 submissions from 2 submitters: Uncertain significance (1). 1 of the submissions does not count toward it. Last evaluated 2023-07-13.

Conditions:
EGF-related disorder. Also called: EGF-related condition.

Allele frequency attached by ClinVar (database versions not stated): TOPMed 0.00005; gnomAD 0.00007; 1000 Genomes Project 0.00020; 1000 Genomes Project 30x 0.00031.
gnomAD v4.1: 175 of 1,611,724 alleles (0.011%); highest among the groups gnomAD compares: South Asian, 0.17%; 4 homozygotes.

Submissions (2):

Labcorp Genetics (formerly Invitae), Labcorp
Classification: Uncertain significance. Last evaluated: 2023-07-13. Review status: criteria provided, single submitter. Criteria: Invitae Variant Classification Sherloc (09022015). Collection method: clinical testing. Allele origin: germline.
Comment: Algorithms developed to predict the effect of missense changes on protein structure and function output the following: SIFT: "Not Available"; PolyPhen-2: "Benign"; Align-GVGD: "Not Available". The phenylalanine amino acid residue is found in multiple mammalian species, which suggests that this missense change does not adversely affect protein function. In summary, the available evidence is currently insufficient to determine the role of this variant in disease. Therefore, it has been classified as a Variant of Uncertain Significance. This variant has not been reported in the literature in individuals affected with EGF-related conditions. This variant is present in population databases (rs532628455, gnomAD 0.2%), and has an allele count higher than expected for a pathogenic variant. This sequence change replaces serine, which is neutral and polar, with phenylalanine, which is neutral and non-polar, at codon 869 of the EGF protein (p.Ser869Phe).

PreventionGenetics, part of Exact Sciences
Classification: Likely benign for EGF-related condition. Last evaluated: 2023-10-27. Review status: no assertion criteria provided. Collection method: clinical testing. Allele origin: germline. Not counted in ClinVar's aggregate classification.
Comment: This variant is classified as likely benign based on ACMG/AMP sequence variant interpretation guidelines (Richards et al. 2015 PMID: 25741868, with internal and published modifications).